The following is an entry in ClinVar:

NM_199420.4(POLQ):c.2763C>T (p.His921=)

Gene: POLQ (DNA polymerase theta; minus strand). Cytogenetic location: 3q13.33.
Variant type: single nucleotide variant.
Coding change: c.2763C>T on transcript NM_199420.4 (MANE Select); coding-DNA position 2763, C replaced by T.
Protein change: p.His921=; no amino-acid change (histidine 921 retained).
Molecular consequence: synonymous variant.
Genome position (GRCh38, 1-based): chr3:121,490,168, G>A on the plus strand (C>T on the coding strand, the complement: POLQ is on the minus strand). VCF-style: chr3-121490168-G-A. GRCh37 (hg19) VCF-style: chr3-121209015-G-A.
Identifiers: ClinVar variation 780406 (VCV000780406.7), dbSNP rs3218646, ClinGen allele CA2563185.

ClinVar aggregate classification (germline): Benign. Review status: criteria provided, multiple submitters, no conflicts (2 of 4 stars). 3 submissions from 3 submitters: Benign (2). 1 of the submissions does not count toward it. Last evaluated 2019-12-31.

Conditions:
POLQ-related disorder. Also called: POLQ-related condition.

Allele frequency attached by ClinVar (database versions not stated): ExAC 0.00484; gnomAD 0.01462 and 0.01576; gnomAD exomes 0.00385 and 0.00146; TOPMed 0.01629; ESP Exome Variant Server 0.01784; 1000 Genomes Project 0.01478; 1000 Genomes Project 30x 0.01562.
gnomAD v4.1: 4,489 of 1,611,608 alleles (0.28%); highest among the groups gnomAD compares: African/African-American, 5.1%; 111 homozygotes.

Submissions (3):

Labcorp Genetics (formerly Invitae), Labcorp
Classification: Benign. Last evaluated: 2019-12-31. Review status: criteria provided, single submitter. Criteria: Invitae Variant Classification Sherloc (09022015). Collection method: clinical testing. Allele origin: germline.

Breakthrough Genomics
Classification: Benign. Review status: criteria provided, single submitter. Criteria: ACMG Guidelines, 2015. Collection method: not provided. Allele origin: germline. Inheritance: Unknown mechanism. Affected: yes.

PreventionGenetics, part of Exact Sciences
Classification: Benign for POLQ-related condition. Last evaluated: 2019-05-20. Review status: no assertion criteria provided. Collection method: clinical testing. Allele origin: germline. Not counted in ClinVar's aggregate classification.
Comment: This variant is classified as benign based on ACMG/AMP sequence variant interpretation guidelines (Richards et al. 2015 PMID: 25741868, with internal and published modifications).